The following is an entry in ClinVar:

NM_001368397.1(FRMPD4):c.1188G>A (p.Pro396=)

Gene: FRMPD4 (FERM and PDZ domain containing 4; plus strand). Cytogenetic location: Xp22.2.
Variant type: single nucleotide variant.
Coding change: c.1188G>A on transcript NM_001368397.1 (MANE Select); coding-DNA position 1188, G replaced by A.
Protein change: p.Pro396=; no amino-acid change (proline 396 retained).
Molecular consequence: synonymous variant.
Genome position (GRCh38, 1-based): chrX:12,704,476, G>A. VCF-style: chrX-12704476-G-A. GRCh37 (hg19) VCF-style: chrX-12722595-G-A.
Other names: c.1299G>A, p.Pro433= (NM_001368395.3, NM_001368398.3); c.1194G>A, p.Pro398= (NM_001368396.3); c.1179G>A, p.Pro393= (NM_001368399.3); c.1068G>A, p.Pro356= (NM_001368400.3); c.1164G>A, p.Pro388= (NM_001368401.1, NM_001368402.3); c.1188G>A, p.Pro396= (NM_014728.3).
Identifiers: ClinVar variation 3363993 (VCV003363993.2).
Genomic context (GRCh38, chrX:12,704,476, plus strand): 5'-GAAGAACATAAAGAAAGCACTTTCACACCTTGTCAAAGCAAATCAAAACTTGGTACCACC[G>A]GGTAAAAAGGTATCACATTTCCATCTTAAAAGAAAATTATAAAGAGAGAGGCTTGAATGC-3'
Protein context (NP_001355326.1, residues 386-406): LVKANQNLVP[Pro396=]GKKLSALQAK

ClinVar aggregate classification (germline): Uncertain significance (1 of 4 stars; one submission).

gnomAD v4.1: 4 of 1,163,920 alleles (0.00034%); highest among the groups gnomAD compares: Admixed American, 0.005%; no homozygotes.

Submission:

GeneDx
Classification: Uncertain significance. Last evaluated: 2026-02-19. Review status: criteria provided, single submitter. Criteria: GeneDx Variant Classification Process June 2021. Collection method: clinical testing. Allele origin: germline.
Comment: Not observed at significant frequency in large population cohorts (gnomAD); In silico analysis supports a deleterious effect on splicing; Has not been previously published as pathogenic or benign to our knowledge